The following is an entry in ClinVar:

ClinVar aggregate classification (germline): Pathogenic/Likely pathogenic. Review status: criteria provided, multiple submitters, no conflicts (2 of 4 stars). 2 submissions from 2 submitters: Pathogenic (1); Likely pathogenic (1). Last evaluated 2024-05-06.

Conditions:
Familial hypokalemia-hypomagnesemia (GTLMNS). Also called: HYPOMAGNESEMIA-HYPOKALEMIA, PRIMARY RENOTUBULAR, WITH HYPOCALCIURIA; POTASSIUM AND MAGNESIUM DEPLETION; gitelman syndrome. Identifiers: Orphanet 358, MedGen C0268450, MONDO:0009904, OMIM 263800.

Submissions (2):

Natera, Inc.
Classification: Likely pathogenic for Gitelman syndrome. Last evaluated: 2024-05-06. Review status: criteria provided, single submitter. Criteria: Natera Variant Classification Schema (03/2026). Collection method: clinical testing. Allele origin: germline.
Comment: The c.923dupC variant in SLC12A3 is a frameshift variant predicted to shift the reading frame beginning at codon 309 and leads to a stop codon 2 codons downstream. This variant is expected to result in nonsense mediated decay, truncation, or a dysfunctional protein product. This variant is rare in the general population with a frequency below the threshold expected for the associated phenotype(s). Given the available evidence, this variant is classified as Likely Pathogenic.

Labcorp Genetics (formerly Invitae), Labcorp
Classification: Pathogenic. Last evaluated: 2023-04-28. Review status: criteria provided, single submitter. Criteria: Invitae Variant Classification Sherloc (09022015). Collection method: clinical testing. Allele origin: germline.
Comment: This sequence change creates a premature translational stop signal (p.Ser309Ilefs*2) in the SLC12A3 gene. It is expected to result in an absent or disrupted protein product. Loss-of-function variants in SLC12A3 are known to be pathogenic (PMID: 20848653, 22009145, 25841442). This variant is not present in population databases (gnomAD no frequency). This variant has not been reported in the literature in individuals affected with SLC12A3-related conditions. ClinVar contains an entry for this variant (Variation ID: 1072480). For these reasons, this variant has been classified as Pathogenic.

Literature cited by the submitters: PubMed 20848653 (cited by Labcorp Genetics (formerly Invitae), Labcorp); PubMed 22009145 (cited by Labcorp Genetics (formerly Invitae), Labcorp); PubMed 25841442 (cited by Labcorp Genetics (formerly Invitae), Labcorp).

NM_001126108.2(SLC12A3):c.923dup (p.Ser309fs)

Gene: SLC12A3 (solute carrier family 12 member 3; plus strand). Cytogenetic location: 16q13.
Variant type: Duplication.
Coding change: c.923dup on transcript NM_001126108.2 (MANE Select); coding-DNA position 923, one base duplicated (C; older notation c.923dupC).
Protein change: p.Ser309fs; shifts the reading frame from serine 309.
Molecular consequence: frameshift variant.
Genome position (GRCh38, 1-based): chr16:56,872,421, C duplicated; the last of 6 consecutive C bases (chr16:56,872,416-56,872,421); duplicating any one gives the same sequence. VCF-style (leftmost placement, unchanged base first): chr16-56872415-T-TC. GRCh37 (hg19) VCF-style: chr16-56906327-T-TC.
Other names: c.923dupC (NM_000339.2); c.923dup, p.Ser309fs (NM_000339.3); c.920dup, p.Ser308fs (NM_001126107.2); short protein forms S308fs, S309fs.
Identifiers: ClinVar variation 1072480 (VCV001072480.8), dbSNP rs2055109918, ClinGen allele CA2224350399.